The following is an entry in ClinVar:

NM_024529.5(CDC73):c.435T>G (p.Cys145Trp)

Gene: CDC73 (cell division cycle 73; plus strand). Cytogenetic location: 1q31.2.
Variant type: single nucleotide variant.
Coding change: c.435T>G on transcript NM_024529.5 (MANE Select); coding-DNA position 435, T replaced by G.
Protein change: p.Cys145Trp; replaces cysteine 145 with tryptophan.
Molecular consequence: missense variant.
Genome position (GRCh38, 1-based): chr1:193,138,096, T>G. VCF-style: chr1-193138096-T-G. GRCh37 (hg19) VCF-style: chr1-193107226-T-G.
Other names: short protein forms C145W.
Identifiers: ClinVar variation 4223492 (VCV004223492.1).

ClinVar aggregate classification (germline): Uncertain significance (1 of 4 stars; one submission).

Conditions:
Hereditary cancer-predisposing syndrome. Also called: Hereditary Cancer Syndrome; Hereditary neoplastic syndrome; Neoplastic Syndromes, Hereditary; Tumor predisposition. Identifiers: Orphanet 140162, MedGen C0027672, MeSH D009386, MONDO:0015356.

Submission:

Ambry Genetics
Classification: Uncertain significance for Hereditary cancer-predisposing syndrome. Last evaluated: 2025-09-10. Review status: criteria provided, single submitter. Criteria: Ambry Variant Classification Scheme 2023. Collection method: clinical testing. Allele origin: germline.
Comment: The p.C145W variant (also known as c.435T>G), located in coding exon 6 of the CDC73 gene, results from a T to G substitution at nucleotide position 435. The cysteine at codon 145 is replaced by tryptophan, an amino acid with highly dissimilar properties. This amino acid position is conserved. In addition, this alteration is predicted to be tolerated by in silico analysis. Based on the available evidence, the clinical significance of this variant remains unclear.